The following is an entry in ClinVar:

ClinVar aggregate classification (germline): Uncertain significance (1 of 4 stars; one submission).

Conditions:
Hereditary diffuse gastric adenocarcinoma (HDGC). Also called: DIFFUSE GASTRIC AND LOBULAR BREAST CANCER SYNDROME. Identifiers: Orphanet 26106, MedGen C1708349, MONDO:0007648, OMIM 137215.

Submission:

Labcorp Genetics (formerly Invitae), Labcorp
Classification: Uncertain significance for Hereditary diffuse gastric adenocarcinoma. Last evaluated: 2017-08-31. Review status: criteria provided, single submitter. Criteria: Invitae Variant Classification Sherloc (09022015). Collection method: clinical testing. Allele origin: germline.
Comment: This sequence change replaces aspartic acid with glycine at codon 257 of the CDH1 protein (p.Asp257Gly). The aspartic acid residue is highly conserved and there is a moderate physicochemical difference between aspartic acid and glycine. This variant is not present in population databases (ExAC no frequency). This variant has not been reported in the literature in individuals with CDH1-related disease. Algorithms developed to predict the effect of missense changes on protein structure and function (SIFT, PolyPhen-2, Align-GVGD) all suggest that this variant is likely to be disruptive, but these predictions have not been confirmed by published functional studies and their clinical significance is uncertain. In summary, the available evidence is currently insufficient to determine the role of this variant in disease. Therefore, it has been classified as a Variant of Uncertain Significance.

NM_004360.5(CDH1):c.770A>G (p.Asp257Gly)

Gene: CDH1 (cadherin 1; plus strand). Cytogenetic location: 16q22.1.
Variant type: single nucleotide variant.
Coding change: c.770A>G on transcript NM_004360.5 (MANE Select); coding-DNA position 770, A replaced by G.
Protein change: p.Asp257Gly; replaces aspartic acid 257 with glycine.
Molecular consequence: missense variant. On other transcripts: 5 prime UTR variant (2).
Genome position (GRCh38, 1-based): chr16:68,810,279, A>G. VCF-style: chr16-68810279-A-G. GRCh37 (hg19) VCF-style: chr16-68844182-A-G.
Other names: c.770A>G (LRG_301t1); c.770A>G, p.Asp257Gly (NM_001317184.2); c.-846A>G (NM_001317185.2); c.-1050A>G (NM_001317186.2); short protein forms D257G.
Identifiers: ClinVar variation 532439 (VCV000532439.1), dbSNP rs1555515446, ClinGen allele CA396458657.
Genomic context (GRCh38, chr16:68,810,279, plus strand): 5'-CCAACGGGAATGCAGTTGAGGATCCAATGGAGATTTTGATCACGGTAACCGATCAGAATG[A>G]CAACAAGCCCGAATTCACCCAGGAGGTCTTTAAGGGGTCTGTCATGGAAGGTGCTCTTCC-3'
Protein context (NP_004351.1, residues 247-267): EILITVTDQN[Asp257Gly]NKPEFTQEVF